The following is an entry in ClinVar:

NM_001267550.2(TTN):c.92-93C>T

Gene: TTN (titin; minus strand). Cytogenetic location: 2q31.2.
Variant type: single nucleotide variant.
Coding change: c.92-93C>T on transcript NM_001267550.2 (MANE Select); 93 bases into the intron before coding-DNA position 92, C replaced by T.
Molecular consequence: intron variant.
Genome position (GRCh38, 1-based): chr2:178,802,434, G>A on the plus strand (C>T on the coding strand, the complement: TTN is on the minus strand). VCF-style: chr2-178802434-G-A. GRCh37 (hg19) VCF-style: chr2-179667161-G-A.
Other names: c.92-93C>T (NM_001256850.1, NM_003319.4, NM_133437.4 and 3 more transcripts).
Identifiers: ClinVar variation 675811 (VCV000675811.2), dbSNP rs55825405, ClinGen allele CA60989184.

ClinVar aggregate classification (germline): Likely benign. Review status: criteria provided, multiple submitters, no conflicts (2 of 4 stars). 2 submissions from 2 submitters: Likely benign (2). Last evaluated 2018-06-14.

Allele frequency attached by ClinVar (database versions not stated): gnomAD 0.01431 and 0.01549; 1000 Genomes Project 0.01478; 1000 Genomes Project 30x 0.01530; TOPMed 0.01671.
gnomAD v4.1: 4,115 of 1,430,200 alleles (0.29%); highest among the groups gnomAD compares: African/African-American, 5%; 91 homozygotes.

Submissions (2):

GeneDx
Classification: Likely benign. Last evaluated: 2018-06-14. Review status: criteria provided, single submitter. Criteria: GeneDx Variant Classification (06012015). Collection method: clinical testing. Allele origin: germline. Affected: yes.
Comment: This variant is considered likely benign or benign based on one or more of the following criteria: it is a conservative change, it occurs at a poorly conserved position in the protein, it is predicted to be benign by multiple in silico algorithms, and/or has population frequency not consistent with disease.

Breakthrough Genomics
Classification: Likely benign. Review status: criteria provided, single submitter. Criteria: ACMG Guidelines, 2015. Collection method: not provided. Allele origin: germline. Inheritance: Autosomal recessive inheritance. Affected: yes.